The following is an entry in ClinVar:

ClinVar aggregate classification (germline): Uncertain significance (1 of 4 stars; one submission).

Submission:

Ambry Genetics
Classification: Uncertain significance. Last evaluated: 2022-07-23. Review status: criteria provided, single submitter. Criteria: Ambry Variant Classification Scheme 2023. Collection method: clinical testing. Allele origin: germline.
Comment: The p.F1837Y variant (also known as c.5510T>A), located in coding exon 16 of the POLQ gene, results from a T to A substitution at nucleotide position 5510. The phenylalanine at codon 1837 is replaced by tyrosine, an amino acid with highly similar properties. This amino acid position is conserved. In addition, the in silico prediction for this alteration is inconclusive. Since supporting evidence is limited at this time, the clinical significance of this alteration remains unclear.

NM_199420.4(POLQ):c.5510T>A (p.Phe1837Tyr)

Gene: POLQ (DNA polymerase theta; minus strand). Cytogenetic location: 3q13.33.
Variant type: single nucleotide variant.
Coding change: c.5510T>A on transcript NM_199420.4 (MANE Select); coding-DNA position 5510, T replaced by A.
Protein change: p.Phe1837Tyr; replaces phenylalanine 1837 with tyrosine.
Molecular consequence: missense variant.
Genome position (GRCh38, 1-based): chr3:121,487,421, A>T on the plus strand (T>A on the coding strand, the complement: POLQ is on the minus strand). VCF-style: chr3-121487421-A-T. GRCh37 (hg19) VCF-style: chr3-121206268-A-T.
Other names: short protein forms F1837Y.
Identifiers: ClinVar variation 1748038 (VCV001748038.2), dbSNP rs2546784655, ClinGen allele CA354090022.